The following is an entry in ClinVar:

ClinVar aggregate classification (germline): Benign. Review status: criteria provided, multiple submitters, no conflicts (2 of 4 stars). 10 submissions from 10 submitters: Benign (5). 5 of the submissions do not count toward it. Last evaluated 2026-07-01.

Conditions:
Hypohidrotic X-linked ectodermal dysplasia (XHED). Also called: ECTODERMAL DYSPLASIA 1; Ectodermal Dysplasia 1, Anhidrotic; ECTODERMAL DYSPLASIA, HYPOHIDROTIC, 1; CST SYNDROME; ECTODERMAL DYSPLASIA 1, HYPOHIDROTIC, X-LINKED; ECTODERMAL DYSPLASIA 1, HYPOHIDROTIC/HAIR/TOOTH TYPE, X-LINKED. Identifiers: Orphanet 181, Orphanet 238468, MedGen C0162359, MONDO:0010585, OMIM 305100.
Tooth agenesis, selective, X-linked, 1 (STHAGX1). Also called: HYPODONTIA/OLIGODONTIA, X-LINKED, 1. Identifiers: Orphanet 99798, MedGen C1970757, MONDO:0010741, OMIM 313500. Disease mechanism: loss of function.

Allele frequency attached by ClinVar (database versions not stated): ESP Exome Variant Server 0.00028; gnomAD exomes 0.00032; gnomAD 0.00042 and 0.00066; TOPMed 0.00049; ExAC 0.00092; 1000 Genomes Project 30x 0.00395; 1000 Genomes Project 0.00450.
gnomAD v4.1: 461 of 1,207,703 alleles (0.038%); highest among the groups gnomAD compares: East Asian, 0.6%; 4 homozygotes.

Submissions (10):

CeGaT Center for Human Genetics Tuebingen
Classification: Benign. Last evaluated: 2026-07-01. Review status: criteria provided, single submitter. Criteria: CeGaT Center For Human Genetics Tuebingen Variant Classification Criteria Version 2. Collection method: clinical testing. Allele origin: germline. Affected: yes. Observed: 4 variant alleles.
Comment: EDA: BS1, BS2

Labcorp Genetics (formerly Invitae), Labcorp
Classification: Benign for Hypohidrotic X-linked ectodermal dysplasia. Last evaluated: 2026-01-24. Review status: criteria provided, single submitter. Criteria: Invitae Variant Classification Sherloc (09022015). Collection method: clinical testing. Allele origin: germline.

Women's Health and Genetics/Laboratory Corporation of America, LabCorp
Classification: Benign. Last evaluated: 2025-09-30. Review status: criteria provided, single submitter. Criteria: LabCorp Variant Classification Summary - May 2015. Collection method: clinical testing. Allele origin: germline.
Comment: Variant summary: EDA c.1001G>A (p.Arg334His) results in a non-conservative amino acid change in the encoded protein sequence. Algorithms developed to predict the effect of missense changes on protein structure and function all suggest that this variant is likely to be disruptive. The variant allele was found at a frequency of 0.00092 in 180407 control chromosomes, predominantly at a frequency of 0.01 within the East Asian subpopulation in the gnomAD database, including 2 homozygotes. c.1001G>A has been observed in individual(s) affected with tooth agenesis (e.g. Song_2009, Yu_2024). These report(s) do not provide unequivocal conclusions about association of the variant with Hypohidrotic Ectodermal Dysplasia. At least one publication reports experimental evidence evaluating an impact on protein function, however, does not allow convincing conclusions about the variant effect (Shen_2016, Yu_2024). The following publications have been ascertained in the context of this evaluation (PMID: 27144394, 19278982, 38287639). ClinVar contains an entry for this variant (Variation ID: 253055). Based on the evidence outlined above, the variant was classified as benign.

Fulgent Genetics
Classification: Benign for Hypohidrotic X-linked ectodermal dysplasia; Tooth agenesis, selective, X-linked, 1. Last evaluated: 2021-11-05. Review status: criteria provided, single submitter. Criteria: ACMG Guidelines, 2015. Collection method: clinical testing. Allele origin: unknown.

Laboratorio de Genetica e Diagnostico Molecular, Hospital Israelita Albert Einstein
Classification: Benign. Last evaluated: 2020-02-17. Review status: criteria provided, single submitter. Criteria: ACMG Guidelines, 2015. Collection method: clinical testing. Allele origin: germline. Affected: yes.
Comment: ACMG classification criteria: BS1, BS2

Natera, Inc.
Classification: Benign for Christ-Siemens-Touraine syndrome. Last evaluated: 2020-07-23. Review status: no assertion criteria provided. Collection method: clinical testing. Allele origin: germline. Not counted in ClinVar's aggregate classification.

Reproductive Health Research and Development, BGI Genomics
Classification: Benign for Tooth agenesis, selective, X-linked, 1. Last evaluated: 2020-01-06. Review status: no assertion criteria provided. Collection method: curation. Allele origin: germline. Not counted in ClinVar's aggregate classification.
Comment: NM_001399.4:c.1001G>A in EDA gene has an allele frequency of 0.011 in East Asian subpopulation in the gnomAD database, including 2 homozygous occurrences, and 54 hemizygotes. Taken together, we interprete this variant as Benign/Likely benign variant. ACMG/AMP criteria applied: BS1, BS2.

OMIM
Classification: Pathogenic for TOOTH AGENESIS, SELECTIVE, X-LINKED, 1. Last evaluated: 2016-08-17. Review status: no assertion criteria provided. Collection method: literature only. Allele origin: germline. Not counted in ClinVar's aggregate classification.

Clinical Genetics DNA and cytogenetics Diagnostics Lab, Erasmus MC, Erasmus Medical Center
Classification: Likely benign. Review status: no assertion criteria provided. Collection method: clinical testing. Allele origin: germline. Affected: yes. Study: VKGL Data-share Consensus. Not counted in ClinVar's aggregate classification.

Laboratory of Diagnostic Genome Analysis, Leiden University Medical Center (LUMC)
Classification: Likely benign. Review status: no assertion criteria provided. Collection method: clinical testing. Allele origin: germline. Affected: yes. Study: VKGL Data-share Consensus. Not counted in ClinVar's aggregate classification.

Literature cited by the submitters: PubMed 27144394 (cited by Women's Health and Genetics/Laboratory Corporation of America, LabCorp); PubMed 19278982 (cited by Women's Health and Genetics/Laboratory Corporation of America, LabCorp and OMIM); PubMed 38287639 (cited by Women's Health and Genetics/Laboratory Corporation of America, LabCorp).

NM_001399.5(EDA):c.1001G>A (p.Arg334His)

Gene: EDA (ectodysplasin A; plus strand). Cytogenetic location: Xq13.1.
Variant type: single nucleotide variant.
Coding change: c.1001G>A on transcript NM_001399.5 (MANE Select); coding-DNA position 1001, G replaced by A.
Protein change: p.Arg334His; replaces arginine 334 with histidine.
Molecular consequence: missense variant.
Genome position (GRCh38, 1-based): chrX:70,035,434, G>A. VCF-style: chrX-70035434-G-A. GRCh37 (hg19) VCF-style: chrX-69255284-G-A.
Other names: c.995G>A, p.Arg332His (NM_001005609.2); c.986G>A, p.Arg329His (NM_001005612.3); short protein forms R334H, R332H, R329H.
Identifiers: ClinVar variation 253055 (VCV000253055.46), dbSNP rs142948132, ClinGen allele CA10439036.